The following is an entry in ClinVar:

ClinVar aggregate classification (germline): Likely benign (1 of 4 stars; one submission).

Submission:

CeGaT Center for Human Genetics Tuebingen
Classification: Likely benign. Last evaluated: 2026-05-01. Review status: criteria provided, single submitter. Criteria: CeGaT Center For Human Genetics Tuebingen Variant Classification Criteria Version 2. Collection method: clinical testing. Allele origin: germline. Affected: yes. Observed: 3 variant alleles.
Comment: IRS4: BS2

NM_001379150.1(IRS4):c.1232_1233delinsAT (p.Arg411His)

Gene: IRS4 (insulin receptor substrate 4; minus strand). Cytogenetic location: Xq22.3.
Variant type: Indel.
Coding change: c.1232_1233delinsAT on transcript NM_001379150.1 (MANE Select); coding-DNA positions 1232 to 1233, GA replaced by AT.
Protein change: p.Arg411His; replaces arginine 411 with histidine.
Molecular consequence: missense variant.
Genome position (GRCh38, 1-based): chrX:108,735,112-108,735,113, TC replaced by AT on the plus strand (GA replaced by AT on the coding strand, the reverse complement: IRS4 is on the minus strand). VCF-style: chrX-108735112-TC-AT. GRCh37 (hg19) VCF-style: chrX-107978342-TC-AT.
Other names: c.1232_1233delinsAT, p.Arg411His (NM_001440817.1, NM_003604.2); short protein forms R411H.
Identifiers: ClinVar variation 4874558 (VCV004874558.2).